The following is an entry in ClinVar:

NM_005591.4(MRE11):c.893A>G (p.Lys298Arg)

Gene: MRE11 (MRE11 double strand break repair nuclease; minus strand). Cytogenetic location: 11q21.
Variant type: single nucleotide variant.
Coding change: c.893A>G on transcript NM_005591.4 (MANE Select); coding-DNA position 893, A replaced by G.
Protein change: p.Lys298Arg; replaces lysine 298 with arginine.
Molecular consequence: missense variant.
Genome position (GRCh38, 1-based): chr11:94,470,595, T>C on the plus strand (A>G on the coding strand, the complement: MRE11 is on the minus strand). VCF-style: chr11-94470595-T-C. GRCh37 (hg19) VCF-style: chr11-94203761-T-C.
Other names: c.893A>G, p.Lys298Arg (NM_001330347.2, NM_005590.4); short protein forms K298R.
Identifiers: ClinVar variation 3295819 (VCV003295819.1).

ClinVar aggregate classification (germline): Uncertain significance (1 of 4 stars; one submission).

Conditions:
Hereditary cancer-predisposing syndrome. Also called: Tumor predisposition; Hereditary Cancer Syndrome; Hereditary neoplastic syndrome; Neoplastic Syndromes, Hereditary. Identifiers: Orphanet 140162, MedGen C0027672, MeSH D009386, MONDO:0015356.

Submission:

Ambry Genetics
Classification: Uncertain significance for Hereditary cancer-predisposing syndrome. Last evaluated: 2024-04-25. Review status: criteria provided, single submitter. Criteria: Ambry Variant Classification Scheme 2023. Collection method: clinical testing. Allele origin: germline.
Comment: The p.K298R variant (also known as c.893A>G), located in coding exon 8 of the MRE11A gene, results from an A to G substitution at nucleotide position 893. The lysine at codon 298 is replaced by arginine, an amino acid with highly similar properties. This amino acid position is conserved. In addition, this alteration is predicted to be tolerated by in silico analysis. Based on the available evidence, the clinical significance of this variant remains unclear.